The following is an entry in ClinVar:

ClinVar aggregate classification (germline): Uncertain significance (1 of 4 stars; one submission).

Submission:

Ambry Genetics
Classification: Uncertain significance. Last evaluated: 2024-05-04. Review status: criteria provided, single submitter. Criteria: Ambry Variant Classification Scheme 2023. Collection method: clinical testing. Allele origin: germline.
Comment: The p.P114R variant (also known as c.341C>G), located in coding exon 1 of the EGLN2 gene, results from a C to G substitution at nucleotide position 341. The proline at codon 114 is replaced by arginine, an amino acid with dissimilar properties. This amino acid position is conserved. In addition, this alteration is predicted to be tolerated by in silico analysis. Based on the available evidence, the clinical significance of this variant remains unclear.

NM_080732.4(EGLN2):c.341C>G (p.Pro114Arg)

Genes: EGLN2 (egl-9 family hypoxia inducible factor 2; plus strand), RAB4B-EGLN2 (RAB4B-EGLN2 readthrough (NMD candidate); plus strand). Cytogenetic location: 19q13.2.
Variant type: single nucleotide variant.
Coding change: c.341C>G on transcript NM_080732.4 (MANE Select); coding-DNA position 341, C replaced by G.
Protein change: p.Pro114Arg; replaces proline 114 with arginine.
Molecular consequence: missense variant. On other transcripts: non-coding transcript variant (1).
Genome position (GRCh38, 1-based): chr19:40,800,913, C>G. VCF-style: chr19-40800913-C-G. GRCh37 (hg19) VCF-style: chr19-41306818-C-G.
Other names: c.341C>G, p.Pro114Arg (NM_053046.4); short protein forms P114R.
Identifiers: ClinVar variation 3274824 (VCV003274824.1).